The following is an entry in ClinVar:

NM_001848.3(COL6A1):c.1760G>A (p.Gly587Glu)

Gene: COL6A1 (collagen type VI alpha 1 chain; plus strand). Cytogenetic location: 21q22.3.
Variant type: single nucleotide variant.
Coding change: c.1760G>A on transcript NM_001848.3 (MANE Select); coding-DNA position 1760, G replaced by A.
Protein change: p.Gly587Glu; replaces glycine 587 with glutamic acid.
Molecular consequence: missense variant.
Genome position (GRCh38, 1-based): chr21:45,999,676, G>A. VCF-style: chr21-45999676-G-A. GRCh37 (hg19) VCF-style: chr21-47419590-G-A.
Other names: short protein forms G587E.
Identifiers: ClinVar variation 850749 (VCV000850749.13), dbSNP rs1188795991, ClinGen allele CA410530986.

ClinVar aggregate classification (germline): Uncertain significance (1 of 4 stars; one submission).

Conditions:
Bethlem myopathy 1A. Also called: MYOPATHY, BENIGN CONGENITAL, WITH CONTRACTURES; Bethlem myopathy 1; Bethlem Muscular Dystrophy. Identifiers: Orphanet 610, MedGen CN029274, MONDO:0024530, OMIM 158810.

Allele frequency attached by ClinVar (database versions not stated): TOPMed below 0.00001.

Submission:

Labcorp Genetics (formerly Invitae), Labcorp
Classification: Uncertain significance for Bethlem myopathy 1A. Last evaluated: 2022-02-03. Review status: criteria provided, single submitter. Criteria: Invitae Variant Classification Sherloc (09022015). Collection method: clinical testing. Allele origin: germline.
Comment: In summary, the available evidence is currently insufficient to determine the role of this variant in disease. Therefore, it has been classified as a Variant of Uncertain Significance. This variant disrupts the triple helix domain of COL6A1. Glycine residues within the Gly-Xaa-Yaa repeats of the triple helix domain are required for the structure and stability of fibrillar collagens (PMID: 7695699, 8218237, 19344236). In COL6A1, variants at these glycine residues are significantly enriched in individuals with autosomal dominant disease (PMID: 15689448, 24038877) compared to the general population (ExAC). Advanced modeling of protein sequence and biophysical properties (such as structural, functional, and spatial information, amino acid conservation, physicochemical variation, residue mobility, and thermodynamic stability) performed at Invitae indicates that this missense variant is expected to disrupt COL6A1 protein function. ClinVar contains an entry for this variant (Variation ID: 850749). This variant has not been reported in the literature in individuals affected with COL6A1-related conditions. This variant is not present in population databases (gnomAD no frequency). This sequence change replaces glycine, which is neutral and non-polar, with glutamic acid, which is acidic and polar, at codon 587 of the COL6A1 protein (p.Gly587Glu).

Literature cited by the submitters: PubMed 7695699; PubMed 8218237; PubMed 19344236; PubMed 15689448; PubMed 24038877.